The following is an entry in ClinVar:

NM_000038.6(APC):c.3202_3205del (p.Ser1068fs)

Gene: APC (APC regulator of Wnt signaling pathway; plus strand). Cytogenetic location: 5q22.2.
Variant type: Deletion.
Coding change: c.3202_3205del on transcript NM_000038.6 (MANE Select); coding-DNA positions 3202 to 3205, 4 bases deleted (TCAA; older notation c.3202_3205delTCAA).
Protein change: p.Ser1068fs; shifts the reading frame from serine 1068.
Molecular consequence: frameshift variant.
Genome position (GRCh38, 1-based): chr5:112,838,796-112,838,799, TCAA deleted; deleting any 4 consecutive bases within chr5:112,838,793-112,838,799 gives the same sequence; the c. name uses the placement nearest the transcript's 3' end. VCF-style (leftmost placement, unchanged base first): chr5-112838792-ACAAT-A. GRCh37 (hg19) VCF-style: chr5-112174489-ACAAT-A.
Other names: c.3202_3205delTCAA (NM_000038.6); c.3202_3205del, p.Ser1068fs (NM_001127510.3, NM_001354895.2); c.3148_3151del, p.Ser1050fs (NM_001127511.3); c.3256_3259del, p.Ser1086fs (NM_001354896.2); c.3232_3235del, p.Ser1078fs (NM_001354897.2); c.3127_3130del, p.Ser1043fs (NM_001354898.2); c.3118_3121del, p.Ser1040fs (NM_001354899.2); c.3079_3082del, p.Ser1027fs (NM_001354900.2); and 6 more; short protein forms S942fs, S1043fs, S1086fs, S785fs, S1009fs, S1027fs, S1040fs, S1078fs.
Identifiers: ClinVar variation 88914 (VCV000088914.35), dbSNP rs587779353, ClinGen allele CA008161.

ClinVar aggregate classification (germline): Pathogenic. Review status: criteria provided, multiple submitters, no conflicts (2 of 4 stars). 11 submissions from 11 submitters: Pathogenic (9). 2 of the submissions do not count toward it. Last evaluated 2025-11-17.

Conditions:
Hereditary cancer-predisposing syndrome. Also called: Tumor predisposition; Hereditary neoplastic syndrome; Neoplastic Syndromes, Hereditary; Hereditary Cancer Syndrome. Identifiers: Orphanet 140162, MedGen C0027672, MeSH D009386, MONDO:0015356.
Familial multiple polyposis syndrome (FAP). Also called: Familial polyposis; Familial adenomatous polyposis; Classic familial adenomatous polyposis; Familial intestinal polyposis; Familial Adenomatous Polyposis (FAP). Identifiers: Orphanet 733, MedGen C0032580, MONDO:0021055. Disease mechanism: loss of function.
Familial adenomatous polyposis 1 (FAP1). Also called: POLYPOSIS, ADENOMATOUS INTESTINAL; FAMILIAL ADENOMATOUS POLYPOSIS 1, ATTENUATED. Identifiers: MedGen C2713442, MONDO:0021056, OMIM 175100. Disease mechanism: loss of function.
Carcinoma of colon (CRC). Also called: Colon carcinoma; Colonic carcinoma. Identifiers: MedGen C0699790, MONDO:0002032.

Submissions (11):

Labcorp Genetics (formerly Invitae), Labcorp
Classification: Pathogenic for Familial adenomatous polyposis 1. Last evaluated: 2025-11-17. Review status: criteria provided, single submitter. Criteria: Invitae Variant Classification Sherloc (09022015). Collection method: clinical testing. Allele origin: germline.
Comment: This sequence change creates a premature translational stop signal (p.Ser1068Glyfs*57) in the APC gene. While this is not anticipated to result in nonsense mediated decay, it is expected to disrupt the last 1776 amino acid(s) of the APC protein. This variant is present in population databases (rs587779353, gnomAD 0.02%). This premature translational stop signal has been observed in individual(s) with familial adenomatous polyposis (FAP) (PMID: 8395941, 10646887, 19725996, 20333795, 23159591). It has also been observed to segregate with disease in related individuals. This variant is also known as 3202delTCAA or 3199_3202delCAAT. ClinVar contains an entry for this variant (Variation ID: 88914). This variant is expected to disrupt the EB1 and HDLG binding sites, which mediate interactions with the cytoskeleton (PMID: 15311282, 17293347). While functional studies have not been performed to directly test the effect on APC protein function, this suggests that disruption of the C-terminal portion of the protein is functionally important. A different truncation (p.Tyr2645Lysfs*14) that lies downstream of this variant has been determined to be pathogenic (PMID: 9824584, 1316610, 27081525, 8381579, 22135120, internal data). This suggests that deletion of this region of the APC protein is causative of disease. For these reasons, this variant has been classified as Pathogenic.

GeneKor MSA
Classification: Pathogenic for Hereditary cancer-predisposing syndrome. Last evaluated: 2025-06-25. Review status: criteria provided, single submitter. Criteria: ACMG Guidelines, 2015. Collection method: clinical testing. Allele origin: germline.
Comment: This sequence change deletes 4 bases in exon 16 of the APC mRNA c.(3202_3205delTCAAl), creating frameshift and a premature translational stop signal 57 aminoacid recidues later- p.(Ser1068Glyfs*57). It is expected to result in an absent or disrupted protein product, while truncating variants in APC are known to be pathogenic (PMID:17963004, 20685668). This variant is not present in population databases (rs587779353) and it has been observed in individuals with Familial Adenomatous Polyposis (FAP, PMID:8395941, 10646887, 19725996, 20333795, 23159591). The mutation database ClinVar contains entries for this variant where is listed as pathogenic (VCV000088914.33). Based on the classification criteria set by the ACMG and AMP (PMID:25741868) this variant has been classified as pathogenic.

GeneDx
Classification: Pathogenic. Last evaluated: 2023-07-20. Review status: criteria provided, single submitter. Criteria: GeneDx Variant Classification Process June 2021. Collection method: clinical testing. Allele origin: germline. Affected: yes.
Comment: Frameshift variant predicted to result in protein truncation or nonsense mediated decay in a gene for which loss of function is a known mechanism of disease; This variant is associated with the following publications: (PMID: 8395941, 18393237, 19029688, 28445943, 21476993, 10646887, 20685668, 9950360, 8187091, 10768871, 8162022, 16317745, 20223039, 8990002, 18433509, 14961559, 20333795, 20924072, 12357334, 23159591, 19725996, 20007843, 21779980, 19444466, 9101302, 26556299, 30720243, 31589614, 36225625)

Baylor Genetics
Classification: Pathogenic for Familial adenomatous polyposis 1. Last evaluated: 2023-07-12. Review status: criteria provided, single submitter. Criteria: ACMG Guidelines, 2015. Collection method: clinical testing. Allele origin: unknown.

Myriad Genetics, Inc.
Classification: Pathogenic for Familial adenomatous polyposis 1. Last evaluated: 2023-05-08. Review status: criteria provided, single submitter. Criteria: Myriad Autosomal Dominant, Autosomal Recessive and X-Linked Classification Criteria (2023). Collection method: clinical testing. Allele origin: unknown.
Comment: This variant is considered pathogenic. This variant creates a frameshift predicted to result in premature protein truncation.

Color Diagnostics, LLC DBA Color Health
Classification: Pathogenic for Hereditary cancer-predisposing syndrome. Last evaluated: 2023-03-08. Review status: criteria provided, single submitter. Criteria: ACMG Guidelines, 2015. Collection method: clinical testing. Allele origin: germline.
Comment: This variant deletes 4 nucleotides in exon 16 of the APC gene, creating a frameshift and premature translation stop signal in the last coding exon. This mutant transcript is predicted to escape nonsense-mediated decay and be expressed as a truncated protein. Although functional studies have not been reported, this variant is expected to disrupt the Beta-catenin binding domain, EB1 binding domain, HDLG binding domain, and NLS domains (PMID: 17881494). This variant has been reported in families affected with familial adenomatous polyposis (PMID:8395941, 10646887, 19725996, 20333795, 23159591, 20924072). This variant has been identified in 2/31408 chromosomes in the general population by the Genome Aggregation Database (gnomAD). Loss of APC function is a known mechanism of disease. Based on available evidence, this variant is classified as Pathogenic.

Ambry Genetics
Classification: Pathogenic for Hereditary cancer-predisposing syndrome. Last evaluated: 2023-03-02. Review status: criteria provided, single submitter. Criteria: Ambry Variant Classification Scheme 2023. Collection method: clinical testing. Allele origin: germline.
Comment: The c.3202_3205delTCAA pathogenic mutation, located in coding exon 15 of the APC gene, results from the deletion of 4 nucleotides at positions 3202 to 3205, causing a translational frameshift with a predicted alternate stop codon (p.S1068Gfs*57). This mutation has been previously described in two unrelated probands. Eleven additional family members of one of the probands were also positive for the mutation, with clinical features including CHRPE, duodenal and gastric polyps, and epidermoid cysts (Paul P et al. Hum. Mol. Genet. 1993;2(7):925-31). In one meta analysis, this mutation was detected in 19/1164 German polyposis patients (Friedl W and Aretz S. Hered Cancer Clin Pract. 2005;3(3):95-114). In addition to the clinical information presented in the literature, this alteration is expected to result in loss of function by premature protein truncation. As such, this alteration is interpreted as a disease-causing mutation.

Women's Health and Genetics/Laboratory Corporation of America, LabCorp
Classification: Pathogenic for Familial multiple polyposis syndrome. Last evaluated: 2021-09-02. Review status: criteria provided, single submitter. Criteria: LabCorp Variant Classification Summary - May 2015. Collection method: clinical testing. Allele origin: germline.
Comment: Variant summary: APC c.3202_3205delTCAA (p.Ser1068GlyfsX57) results in a premature termination codon, predicted to cause a truncation of the encoded protein or absence of the protein due to nonsense mediated decay, which are commonly known mechanisms for disease. Truncations downstream of this position have been classified as pathogenic by our laboratory. The variant was absent in 250414 control chromosomes (gnomAD). c.3202_3205delTCAA has been reported in the literature in multiple individuals affected with Familial Adenomatous Polyposis (e.g. Ficari_2000, Ripa_2002, Friedl_2005, Kerr_2013). These data indicate that the variant is very likely to be associated with disease. Four ClinVar submitters (evaluation after 2014) cite the variant as pathogenic. Based on the evidence outlined above, the variant was classified as pathogenic.

University of Science and Technology Houari Boumediene, Laboratory of Molecular and Cellular Biology (LBCM)
Classification: Pathogenic for Familial adenomatous polyposis 1. Review status: criteria provided, single submitter. Criteria: ACMG Guidelines, 2015. Collection method: clinical testing. Allele origin: germline. Inheritance: Autosomal dominant inheritance. Affected: yes. Observed: 2 heterozygotes.

Department of Pathology and Laboratory Medicine, Sinai Health System
Classification: Pathogenic for Carcinoma of colon. Review status: no assertion criteria provided. Collection method: clinical testing. Allele origin: unknown. Affected: yes. Study: The Canadian Open Genetics Repository (COGR). Not counted in ClinVar's aggregate classification.
Comment: The APC p.Ser1068GlyfsX57 variant was identified in 40 of 4390 proband chromosomes (frequency: 0.009) from individuals or families with familial adenomatous polyposis (De Rosa_2003_14961559, Enomoto_2000_10768871, Friedl_2005_20223039, Kanter-Smoler_2008_18433509, Paul_1993_8395941, Plawski_2008_19029688, Ripa_2002_12357334, Rivera_2011_20924072, Sheng_2010_20333795, van der Luijt_1997_8990002, Wallis_1999_9950360). The variant was also identified in dbSNP (ID: rs587779353) as â€šÃ„ÃºWith Pathogenic alleleâ€šÃ„Ã¹, ClinVar (as pathogenic by Ambry, Invitae, Mayo, and previously reported by Mount Sinai), Clinvitae (5x as pathogenic), Cosmic (in large intestine and soft tissue), LOVD 3.0 (75x), UMD-LSDB (56x as causal), and Zhejiang Colon Cancer Database (16x). The variant was not identified in the MutDB database. The variant was also identified by our laboratory in 3 individuals with familial adenomatous polyposis. The variant was not identified in the following control databases: the 1000 Genomes Project, the NHLBI GO Exome Sequencing Project, the Exome Aggregation Consortium (August 8th 2016), or the Genome Aggregation Database (Feb 27, 2017). The p.Ser1068GlyfsX57 variant is predicted to cause a frameshift, which alters the protein's amino acid sequence beginning at codon 1068 and leads to a premature stop codon at position 1124. This alteration is then predicted to result in a truncated or absent protein and loss of function. Loss of function variants of the APC gene are an established mechanism of disease in familial adenomatous polyposis and is the type of variant expected to cause the disorder. In summary, based on the above information this variant meets our laboratoryâ€šÃ„Ã´s criteria to be classified as pathogenic.

Mayo Clinic Laboratories, Mayo Clinic
Classification: Pathogenic. Review status: no assertion criteria provided. Collection method: clinical testing. Allele origin: unknown. Not counted in ClinVar's aggregate classification.

Literature cited by the submitters: PubMed 8395941 (cited by 3 submitters); PubMed 10646887 (cited by 4 submitters); PubMed 19725996 (cited by 3 submitters); PubMed 20333795 (cited by 3 submitters); PubMed 23159591 (cited by 4 submitters); PubMed 15311282 (cited by Labcorp Genetics (formerly Invitae), Labcorp); PubMed 17293347 (cited by Labcorp Genetics (formerly Invitae), Labcorp); PubMed 9824584 (cited by Labcorp Genetics (formerly Invitae), Labcorp); PubMed 1316610 (cited by Labcorp Genetics (formerly Invitae), Labcorp); PubMed 27081525 (cited by Labcorp Genetics (formerly Invitae), Labcorp); PubMed 8381579 (cited by Labcorp Genetics (formerly Invitae), Labcorp); PubMed 22135120 (cited by Labcorp Genetics (formerly Invitae), Labcorp); PubMed 17963004 (cited by GeneKor MSA); PubMed 20685668 (cited by GeneKor MSA); PubMed 17881494 (cited by Color Diagnostics, LLC DBA Color Health); PubMed 20924072 (cited by Color Diagnostics, LLC DBA Color Health); PubMed 20223039 (cited by Women's Health and Genetics/Laboratory Corporation of America, LabCorp); PubMed 12357334 (cited by Women's Health and Genetics/Laboratory Corporation of America, LabCorp); PubMed 35142982 (cited by University of Science and Technology Houari Boumediene, Laboratory of Molecular and Cellular Biology (LBCM)).